The following is an entry in ClinVar:

NM_003873.7(NRP1):c.1722G>A (p.Leu574=)

Gene: NRP1 (neuropilin 1; minus strand). Cytogenetic location: 10p11.22.
Variant type: single nucleotide variant.
Coding change: c.1722G>A on transcript NM_003873.7 (MANE Select); coding-DNA position 1722, G replaced by A.
Protein change: p.Leu574=; no amino-acid change (leucine 574 retained).
Molecular consequence: synonymous variant. On other transcripts: non-coding transcript variant (1).
Genome position (GRCh38, 1-based): chr10:33,207,609, C>T on the plus strand (G>A on the coding strand, the complement: NRP1 is on the minus strand). VCF-style: chr10-33207609-C-T. GRCh37 (hg19) VCF-style: chr10-33496537-C-T.
Other names: c.1722G>A, p.Leu574= (NM_001024628.3, NM_001024629.3, NM_001244972.2 and 2 more transcripts).
Identifiers: ClinVar variation 4992341 (VCV004992341.1).

ClinVar aggregate classification (germline): Likely benign (1 of 4 stars; one submission).

Conditions:
NRP1-related disorder. Also called: NRP1-related condition.

gnomAD v4.1: 2 of 1,614,110 alleles (0.00012%); highest among the groups gnomAD compares: African/African-American, 0.0027%; no homozygotes.

Submission:

PreventionGenetics, part of Exact Sciences
Classification: Likely benign for NRP1-related condition. Last evaluated: 2025-09-03. Review status: criteria provided, single submitter. Criteria: ACMG Guidelines, 2015. Collection method: clinical testing. Allele origin: germline.
Comment: This variant is classified as likely benign based on ACMG/AMP sequence variant interpretation guidelines (Richards et al. 2015 PMID: 25741868, with internal and published modifications).